The following is an entry in ClinVar:

ClinVar aggregate classification (germline): Conflicting classifications of pathogenicity. Review status: criteria provided, conflicting classifications (1 of 4 stars). 4 submissions from 4 submitters: Uncertain significance (2); Likely benign (2). Last evaluated 2026-01-03.

Conditions:
HACD1-related disorder. Also called: HACD1-related condition.
Inborn genetic diseases. Identifiers: MedGen C0950123, MeSH D030342.

Allele frequency attached by ClinVar (database versions not stated): gnomAD 0.00006 and 0.00009; TOPMed 0.00020; 1000 Genomes Project 30x 0.00031; gnomAD exomes 0.00060.
gnomAD v4.1: 96 of 1,501,220 alleles (0.0064%); highest among the groups gnomAD compares: Admixed American, 0.19%; no homozygotes.

Submissions (4):

Labcorp Genetics (formerly Invitae), Labcorp
Classification: Likely benign. Last evaluated: 2026-01-03. Review status: criteria provided, single submitter. Criteria: Invitae Variant Classification Sherloc (09022015). Collection method: clinical testing. Allele origin: germline.

PreventionGenetics, part of Exact Sciences
Classification: Likely benign for HACD1-related condition. Last evaluated: 2025-01-05. Review status: criteria provided, single submitter. Criteria: ACMG Guidelines, 2015. Collection method: clinical testing. Allele origin: germline.
Comment: This variant is classified as likely benign based on ACMG/AMP sequence variant interpretation guidelines (Richards et al. 2015 PMID: 25741868, with internal and published modifications).

Ambry Genetics
Classification: Uncertain significance for Inborn genetic diseases. Last evaluated: 2022-06-10. Review status: criteria provided, single submitter. Criteria: Ambry Variant Classification Scheme 2023. Collection method: clinical testing. Allele origin: germline.

Genomic Diagnostic Laboratory, Division of Genomic Diagnostics, Children's Hospital of Philadelphia
Classification: Uncertain significance. Last evaluated: 2015-06-16. Review status: criteria provided, single submitter. Criteria: DGD Variant Analysis Guidelines. Collection method: clinical testing. Allele origin: unknown.

NM_014241.4(HACD1):c.143C>T (p.Thr48Ile)

Genes: HACD1 (3-hydroxyacyl-CoA dehydratase 1; minus strand), LOC130003454 (ATAC-STARR-seq lymphoblastoid silent region 2183; plus strand). Cytogenetic location: 10p12.33.
Variant type: single nucleotide variant.
Coding change: c.143C>T on transcript NM_014241.4 (MANE Select); coding-DNA position 143, C replaced by T.
Protein change: p.Thr48Ile; replaces threonine 48 with isoleucine.
Molecular consequence: missense variant.
Genome position (GRCh38, 1-based): chr10:17,617,197, G>A on the plus strand (C>T on the coding strand, the complement: HACD1 is on the minus strand). VCF-style: chr10-17617197-G-A. GRCh37 (hg19) VCF-style: chr10-17659196-G-A.
Other names: short protein forms T48I.
Identifiers: ClinVar variation 218704 (VCV000218704.12), dbSNP rs864309602, ClinGen allele CA249105.